The following is an entry in ClinVar:

NM_001023.4(RPS20):c.178-12C>T

Gene: RPS20 (ribosomal protein S20; minus strand). Cytogenetic location: 8q12.1.
Variant type: single nucleotide variant.
Coding change: c.178-12C>T on transcript NM_001023.4 (MANE Select); 12 bases into the intron before coding-DNA position 178, C replaced by T.
Molecular consequence: intron variant.
Genome position (GRCh38, 1-based): chr8:56,073,284, G>A on the plus strand (C>T on the coding strand, the complement: RPS20 is on the minus strand). VCF-style: chr8-56073284-G-A. GRCh37 (hg19) VCF-style: chr8-56985843-G-A.
Other names: c.178-12C>T (NM_001146227.3).
Identifiers: ClinVar variation 3780567 (VCV003780567.2).

ClinVar aggregate classification (germline): Likely benign. Review status: criteria provided, multiple submitters, no conflicts (2 of 4 stars). 2 submissions from 2 submitters: Likely benign (2). Last evaluated 2026-07-31.

Conditions:
Familial colorectal cancer type X. Identifiers: Orphanet 440437, MedGen C3896578, MONDO:0018604.
Diamond-Blackfan anemia. Also called: Blackfan Diamond syndrome; Aregenerative anemia chronic congenital; Red cell aplasia, pure hereditary; Congenital hypoplastic anemia; Aase syndrome. Identifiers: Orphanet 124, MedGen C1260899, MeSH D029503, MONDO:0015253, HP:0004810.

gnomAD v4.1: 38 of 1,547,786 alleles (0.0025%); highest among the groups gnomAD compares: African/African-American, 0.0095%; no homozygotes.

Submissions (2):

Myriad Genetics, Inc.
Classification: Likely benign for Familial colorectal cancer type X. Last evaluated: 2026-07-31. Review status: criteria provided, single submitter. Criteria: Myriad Autosomal Dominant, Autosomal Recessive and X-Linked Classification Criteria (2023). Collection method: clinical testing. Allele origin: unknown.
Comment: This variant is considered likely benign. This variant is intronic and is not expected to impact mRNA splicing.

Department of Pathology and Laboratory Medicine, Sinai Health System
Classification: Likely benign for Diamond-Blackfan anemia; Familial colorectal cancer type X. Last evaluated: 2024-06-11. Review status: criteria provided, single submitter. Criteria: ACMG Guidelines, 2015. Collection method: clinical testing. Allele origin: germline. Affected: yes.